The following is an entry in ClinVar:

ClinVar aggregate classification (germline): Uncertain significance. Review status: criteria provided, multiple submitters, no conflicts (2 of 4 stars). 4 submissions from 4 submitters: Uncertain significance (4). Last evaluated 2026-01-19.

Conditions:
Autosomal recessive limb-girdle muscular dystrophy type 2D (LGMDR3). Also called: MUSCULAR DYSTROPHY, LIMB-GIRDLE, AUTOSOMAL RECESSIVE 3; ADHALINOPATHY, PRIMARY; DUCHENNE-LIKE AUTOSOMAL RECESSIVE MUSCULAR DYSTROPHY, TYPE 2. Identifiers: Orphanet 62, MedGen C2936332, MONDO:0011968, OMIM 608099. Disease mechanism: Affects gamma-sarcoglycan and also disrupts the integrity of the entire sarcoglycan complex..

Allele frequency attached by ClinVar (database versions not stated): ExAC 0.00004; gnomAD 0.00004; TOPMed 0.00012; 1000 Genomes Project 30x 0.00016; 1000 Genomes Project 0.00020.

Submissions (4):

Labcorp Genetics (formerly Invitae), Labcorp
Classification: Uncertain significance for Autosomal recessive limb-girdle muscular dystrophy type 2D. Last evaluated: 2026-01-19. Review status: criteria provided, single submitter. Criteria: Invitae Variant Classification Sherloc (09022015). Collection method: clinical testing. Allele origin: germline.
Comment: This sequence change replaces glutamic acid, which is acidic and polar, with aspartic acid, which is acidic and polar, at codon 194 of the SGCA protein (p.Glu194Asp). This variant is present in population databases (rs199791980, gnomAD 0.01%). This variant has not been reported in the literature in individuals affected with SGCA-related conditions. ClinVar contains an entry for this variant (Variation ID: 501744). An algorithm developed to predict the effect of missense changes on protein structure and function (PolyPhen-2) suggests that this variant is likely to be disruptive. In summary, the available evidence is currently insufficient to determine the role of this variant in disease. Therefore, it has been classified as a Variant of Uncertain Significance.

Genome-Nilou Lab
Classification: Uncertain significance for Autosomal recessive limb-girdle muscular dystrophy type 2D. Last evaluated: 2023-02-08. Review status: criteria provided, single submitter. Criteria: ACMG Guidelines, 2015. Collection method: clinical testing. Allele origin: germline.

Revvity Omics, Revvity
Classification: Uncertain significance for Autosomal recessive limb-girdle muscular dystrophy type 2D. Last evaluated: 2019-06-28. Review status: criteria provided, single submitter. Criteria: ACMG Guidelines, 2015. Collection method: clinical testing. Allele origin: germline.

Eurofins Ntd Llc (ga)
Classification: Uncertain significance. Last evaluated: 2018-04-27. Review status: criteria provided, single submitter. Criteria: EGL ClinVar v180209 classification definitions. Collection method: clinical testing. Allele origin: germline. Observed: 2 variant alleles, 2 heterozygotes.

NM_000023.4(SGCA):c.582A>C (p.Glu194Asp)

Gene: SGCA (sarcoglycan alpha; plus strand). Cytogenetic location: 17q21.33.
Variant type: single nucleotide variant.
Coding change: c.582A>C on transcript NM_000023.4 (MANE Select); coding-DNA position 582, A replaced by C.
Protein change: p.Glu194Asp; replaces glutamic acid 194 with aspartic acid.
Molecular consequence: missense variant. On other transcripts: non-coding transcript variant (1).
Genome position (GRCh38, 1-based): chr17:50,168,570, A>C. VCF-style: chr17-50168570-A-C. GRCh37 (hg19) VCF-style: chr17-48245931-A-C.
Other names: c.582A>C (NM_000023.2); c.582A>C, p.Glu194Asp (NM_001135697.3); short protein forms E194D.
Identifiers: ClinVar variation 501744 (VCV000501744.11), dbSNP rs199791980, ClinGen allele CA8643832.